The following is an entry in ClinVar:

ClinVar aggregate classification (germline): Uncertain significance. Review status: criteria provided, multiple submitters, no conflicts (2 of 4 stars). 2 submissions from 2 submitters: Uncertain significance (2). Last evaluated 2025-06-19.

Allele frequency attached by ClinVar (database versions not stated): gnomAD 0.00001; gnomAD exomes below 0.00001; TOPMed 0.00001.
gnomAD v4.1: 4 of 1,613,492 alleles (0.00025%); highest among the groups gnomAD compares: African/African-American, 0.0053%; no homozygotes.

Submissions (2):

Labcorp Genetics (formerly Invitae), Labcorp
Classification: Uncertain significance. Last evaluated: 2025-06-19. Review status: criteria provided, single submitter. Criteria: Invitae Variant Classification Sherloc (09022015). Collection method: clinical testing. Allele origin: germline.
Comment: This sequence change replaces serine, which is neutral and polar, with asparagine, which is neutral and polar, at codon 1859 of the MTOR protein (p.Ser1859Asn). This variant is not present in population databases (gnomAD no frequency). This variant has not been reported in the literature in individuals affected with MTOR-related conditions. ClinVar contains an entry for this variant (Variation ID: 1173035). Invitae Evidence Modeling of protein sequence and biophysical properties (such as structural, functional, and spatial information, amino acid conservation, physicochemical variation, residue mobility, and thermodynamic stability) indicates that this missense variant is not expected to disrupt MTOR protein function with a negative predictive value of 95%. In summary, the available evidence is currently insufficient to determine the role of this variant in disease. Therefore, it has been classified as a Variant of Uncertain Significance.

GeneDx
Classification: Uncertain significance. Last evaluated: 2020-12-07. Review status: criteria provided, single submitter. Criteria: GeneDx Variant Classification (06012015). Collection method: clinical testing. Allele origin: germline. Affected: yes.
Comment: Not observed in large population cohorts (Lek et al., 2016) In silico analysis supports that this missense variant does not alter protein structure/function Has not been previously published as pathogenic or benign to our knowledge

NM_004958.4(MTOR):c.5576G>A (p.Ser1859Asn)

Gene: MTOR (mechanistic target of rapamycin kinase; minus strand). Cytogenetic location: 1p36.22.
Variant type: single nucleotide variant.
Coding change: c.5576G>A on transcript NM_004958.4 (MANE Select); coding-DNA position 5576, G replaced by A.
Protein change: p.Ser1859Asn; replaces serine 1859 with asparagine.
Molecular consequence: missense variant.
Genome position (GRCh38, 1-based): chr1:11,130,566, C>T on the plus strand (G>A on the coding strand, the complement: MTOR is on the minus strand). VCF-style: chr1-11130566-C-T. GRCh37 (hg19) VCF-style: chr1-11190623-C-T.
Other names: c.5576G>A, p.Ser1859Asn (NM_001386500.1); c.4328G>A, p.Ser1443Asn (NM_001386501.1); short protein forms S1443N, S1859N.
Identifiers: ClinVar variation 1173035 (VCV001173035.3), dbSNP rs1462490050, ClinGen allele CA338398184.
Genomic context (GRCh38, chr1:11,130,566, plus strand): 5'-AATAAGGAAGAAGGGAAGGGTACCTCAGTGACCTTCTTCTGCAGCGGCGATGGGGTGGGG[C>T]TGTTCTCGGTGCTCTCGGCCTCGCTCTCACTGTTGCTGCCCTCGGTGCTGGCAGTGGTGG-3'
Protein context (NP_004949.1, residues 1849-1869): SESEAESTEN[Ser1859Asn]PTPSPLQKKV